The following is an entry in ClinVar:

NM_000062.3(SERPING1):c.1029+2110T>C

Gene: SERPING1 (serpin family G member 1; plus strand). Cytogenetic location: 11q12.1.
Variant type: single nucleotide variant.
Coding change: c.1029+2110T>C on transcript NM_000062.3 (MANE Select); 2110 bases into the intron after coding-DNA position 1029, T replaced by C.
Molecular consequence: intron variant.
Genome position (GRCh38, 1-based): chr11:57,608,657, T>C. VCF-style: chr11-57608657-T-C. GRCh37 (hg19) VCF-style: chr11-57376130-T-C.
Other names: c.1029+2110T>C (NM_001032295.2).
Identifiers: ClinVar variation 983259 (VCV000983259.2), dbSNP rs2454659, ClinGen allele CA16418646.
Genomic context (GRCh38, chr11:57,608,657, plus strand): 5'-CTGCCTCCCAGGTTCAAGCGATTCTCCTGCCTTAGCCTCCCTAGTAGCTGGGATTATAGG[T>C]GCCTGCCACCACTCCCAGCTAATTTTTGTATTTTTAGTAGAGATGGGGTTTCACCATGTT-3'

ClinVar aggregate classification (germline): Benign (1 of 4 stars; one submission).

Conditions:
Hereditary angioedema type 1 (HAE1). Identifiers: Orphanet 100050, Orphanet 100051, Orphanet 91378, MedGen C2717906, MONDO:0015053, OMIM 106100.

Allele frequency attached by ClinVar (database versions not stated): 1000 Genomes Project 0.48303; 1000 Genomes Project 30x 0.49172; TOPMed 0.58162; gnomAD 0.60130 and 0.60589.
gnomAD v4.1: 91,071 of 151,654 alleles (60%); highest among the groups gnomAD compares: Non-Finnish European, 69%; 28,172 homozygotes.

Submission:

CeMIA
Classification: Benign for Hereditary angioedema type 1. Review status: criteria provided, single submitter. Criteria: ACMG Guidelines, 2015. Collection method: clinical testing. Allele origin: germline. Affected: yes.
Comment: This variant is considered likely benign or benign based on one or more of the following criteria: allele frequency is >5% in Exome Sequencing Project, 1000 Genomes Project, or Exome Aggregation Consortium (BA1), allele frequency is greater than expected for disorder (BS1), it is observed in a healthy adult individual (BS2), it is predicted to be benign by multiple in silico algorithms (BP4), it is found in a case with an alternate molecular basis for the disease (BP5) and/or reputable source recently reports variant as benign (BP6).

Literature cited by the submitters: PubMed 31959500.